The following is an entry in ClinVar:

ClinVar aggregate classification (germline): Uncertain significance (1 of 4 stars; one submission).

Conditions:
Epidermolysis bullosa simplex 5C, with pyloric atresia (EBS5C). Also called: PLEC1-Related Epidermolysis Bullosa with Pyloric Atresia; Epidermolysis bullosa simplex with pyloric atresia; PLEC-Related Epidermolysis Bullosa with Pyloric Atresia. Identifiers: Orphanet 158684, MedGen C2677349, MONDO:0012807, OMIM 612138.
Autosomal recessive limb-girdle muscular dystrophy type 2Q (LGMDR17). Also called: MUSCULAR DYSTROPHY, LIMB-GIRDLE, AUTOSOMAL RECESSIVE 17. Identifiers: Orphanet 254361, MedGen C3150989, MONDO:0013390, OMIM 613723.
Epidermolysis bullosa simplex with nail dystrophy (EBS5D). Identifiers: MedGen C4225309, MONDO:0014661, OMIM 616487.
Epidermolysis bullosa simplex 5B, with muscular dystrophy (EBS5B). Also called: Epidermolysis bullosa simplex with muscular dystrophy; EPIDERMOLYSIS BULLOSA SIMPLEX AND LIMB-GIRDLE MUSCULAR DYSTROPHY. Identifiers: Orphanet 257, MedGen C2931072, MONDO:0009181, OMIM 226670.
Epidermolysis bullosa simplex, Ogna type (EBS5A). Also called: EPIDERMOLYSIS BULLOSA SIMPLEX 5A, OGNA TYPE; Pidermolysis bullosa simplex 5A, Ogna type. Identifiers: Orphanet 79401, MedGen C0432317, MONDO:0007555, OMIM 131950.

Allele frequency attached by ClinVar (database versions not stated): ExAC 0.00001; gnomAD 0.00001; TOPMed 0.00001; 1000 Genomes Project 0.00020; 1000 Genomes Project 30x 0.00031.
gnomAD v4.1: 34 of 1,613,838 alleles (0.0021%); highest among the groups gnomAD compares: Non-Finnish European, 0.0025%; no homozygotes.

Submission:

Labcorp Genetics (formerly Invitae), Labcorp
Classification: Uncertain significance for Autosomal recessive limb-girdle muscular dystrophy type 2Q; Epidermolysis bullosa simplex, Ogna type; Epidermolysis bullosa simplex with nail dystrophy; Epidermolysis bullosa simplex 5C, with pyloric atresia; Epidermolysis bullosa simplex 5B, with muscular dystrophy. Last evaluated: 2023-06-23. Review status: criteria provided, single submitter. Criteria: Invitae Variant Classification Sherloc (09022015). Collection method: clinical testing. Allele origin: germline.
Comment: This sequence change replaces threonine, which is neutral and polar, with isoleucine, which is neutral and non-polar, at codon 1367 of the PLEC protein (p.Thr1367Ile). In summary, the available evidence is currently insufficient to determine the role of this variant in disease. Therefore, it has been classified as a Variant of Uncertain Significance. Advanced modeling of protein sequence and biophysical properties (such as structural, functional, and spatial information, amino acid conservation, physicochemical variation, residue mobility, and thermodynamic stability) has been performed at Invitae for this missense variant, however the output from this modeling did not meet the statistical confidence thresholds required to predict the impact of this variant on PLEC protein function. ClinVar contains an entry for this variant (Variation ID: 845716). This variant has not been reported in the literature in individuals affected with PLEC-related conditions. This variant is present in population databases (rs144371714, gnomAD 0.007%).

NM_201384.3(PLEC):c.4019C>T (p.Thr1340Ile)

Gene: PLEC (plectin; minus strand). Cytogenetic location: 8q24.3.
Variant type: single nucleotide variant.
Coding change: c.4019C>T on transcript NM_201384.3 (MANE Select); coding-DNA position 4019, C replaced by T.
Protein change: p.Thr1340Ile; replaces threonine 1340 with isoleucine.
Molecular consequence: missense variant.
Genome position (GRCh38, 1-based): chr8:143,926,809, G>A on the plus strand (C>T on the coding strand, the complement: PLEC is on the minus strand). VCF-style: chr8-143926809-G-A. GRCh37 (hg19) VCF-style: chr8-145000977-G-A.
Other names: c.4100C>T, p.Thr1367Ile (NM_000445.5); c.3977C>T, p.Thr1326Ile (NM_201378.4); c.3953C>T, p.Thr1318Ile (NM_201379.3); c.4430C>T, p.Thr1477Ile (NM_201380.4); c.3923C>T, p.Thr1308Ile (NM_201381.3); c.4019C>T, p.Thr1340Ile (NM_201382.4); c.4031C>T, p.Thr1344Ile (NM_201383.3); short protein forms T1477I, T1318I, T1326I, T1344I, T1367I, T1308I, T1340I.
Identifiers: ClinVar variation 845716 (VCV000845716.7), dbSNP rs144371714, ClinGen allele CA4926807.